The following is an entry in ClinVar:

ClinVar aggregate classification (germline): Uncertain significance (1 of 4 stars; one submission).

Submission:

GeneDx
Classification: Uncertain significance. Last evaluated: 2024-05-23. Review status: criteria provided, single submitter. Criteria: GeneDx Variant Classification Process June 2021. Collection method: clinical testing. Allele origin: germline. Affected: yes.
Comment: Not observed at significant frequency in large population cohorts (gnomAD); In silico analysis indicates that this missense variant does not alter protein structure/function; Has not been previously published as pathogenic or benign to our knowledge

NM_007327.4(GRIN1):c.1468G>A (p.Val490Met)

Gene: GRIN1 (glutamate ionotropic receptor NMDA type subunit 1; plus strand). Cytogenetic location: 9q34.3.
Variant type: single nucleotide variant.
Coding change: c.1468G>A on transcript NM_007327.4 (MANE Select); coding-DNA position 1468, G replaced by A.
Protein change: p.Val490Met; replaces valine 490 with methionine.
Molecular consequence: missense variant.
Genome position (GRCh38, 1-based): chr9:137,161,924, G>A. VCF-style: chr9-137161924-G-A. GRCh37 (hg19) VCF-style: chr9-140056376-G-A.
Other names: c.1468G>A, p.Val490Met (NM_000832.7, NM_021569.4); c.1531G>A, p.Val511Met (NM_001185090.2, NM_001185091.2); short protein forms V490M, V511M.
Identifiers: ClinVar variation 3381583 (VCV003381583.1).
Genomic context (GRCh38, chr9:137,161,924, plus strand): 5'-ACCTGTGGCGGGAGCTGGGAGGACGCTGCCTGCATGCCCGCCGGCTCTGTCGCCTCGCAG[G>A]TGAACAACAGCAACAAGAAGGAGTGGAATGGGATGATGGGCGAGCTGCTCAGCGGGCAGG-3'
Protein context (NP_015566.1, residues 480-500): ADGKFGTQER[Val490Met]NNSNKKEWNG